The following is an entry in ClinVar:

ClinVar aggregate classification (germline): Uncertain significance. Review status: criteria provided, multiple submitters, no conflicts (2 of 4 stars). 2 submissions from 2 submitters: Uncertain significance (2). Last evaluated 2025-09-09.

Conditions:
Inborn genetic diseases. Identifiers: MedGen C0950123, MeSH D030342.

gnomAD v4.1: 196 of 1,613,098 alleles (0.012%); highest among the groups gnomAD compares: Non-Finnish European, 0.016%; no homozygotes.

Submissions (2):

Labcorp Genetics (formerly Invitae), Labcorp
Classification: Uncertain significance. Last evaluated: 2025-09-09. Review status: criteria provided, single submitter. Criteria: Invitae Variant Classification Sherloc (09022015). Collection method: clinical testing. Allele origin: germline.
Comment: This sequence change replaces serine, which is neutral and polar, with tryptophan, which is neutral and slightly polar, at codon 474 of the TCIRG1 protein (p.Ser474Trp). This variant is present in population databases (rs199914625, gnomAD 0.006%). This variant has not been reported in the literature in individuals affected with TCIRG1-related conditions. ClinVar contains an entry for this variant (Variation ID: 2146759). Invitae Evidence Modeling of protein sequence and biophysical properties (such as structural, functional, and spatial information, amino acid conservation, physicochemical variation, residue mobility, and thermodynamic stability) indicates that this missense variant is expected to disrupt TCIRG1 protein function with a positive predictive value of 80%. In summary, the available evidence is currently insufficient to determine the role of this variant in disease. Therefore, it has been classified as a Variant of Uncertain Significance.

Ambry Genetics
Classification: Uncertain significance for Inborn genetic diseases. Last evaluated: 2022-10-06. Review status: criteria provided, single submitter. Criteria: Ambry Variant Classification Scheme 2023. Collection method: clinical testing. Allele origin: germline.

NM_006019.4(TCIRG1):c.1421C>G (p.Ser474Trp)

Gene: TCIRG1 (T cell immune regulator 1, ATPase H+ transporting V0 subunit a3; plus strand). Cytogenetic location: 11q13.2.
Variant type: single nucleotide variant.
Coding change: c.1421C>G on transcript NM_006019.4 (MANE Select); coding-DNA position 1421, C replaced by G.
Protein change: p.Ser474Trp; replaces serine 474 with tryptophan.
Molecular consequence: missense variant.
Genome position (GRCh38, 1-based): chr11:68,047,762, C>G. VCF-style: chr11-68047762-C-G. GRCh37 (hg19) VCF-style: chr11-67815229-C-G.
Other names: c.527C>G, p.Ser176Trp (NM_001351059.2); c.773C>G, p.Ser258Trp (NM_006053.4); c.1421C>G (NM_006019.3); short protein forms S176W, S258W, S474W.
Identifiers: ClinVar variation 2146759 (VCV002146759.4), dbSNP rs199914625, ClinGen allele CA6147102.